The following is an entry in ClinVar:

ClinVar aggregate classification (germline): Uncertain significance. Review status: criteria provided, multiple submitters, no conflicts (2 of 4 stars). 3 submissions from 3 submitters: Uncertain significance (3). Last evaluated 2025-08-28.

Conditions:
Adams-Oliver syndrome 5 (AOS5). Identifiers: Orphanet 974, MedGen C4014970, MONDO:0014459, OMIM 616028.
Familial thoracic aortic aneurysm and aortic dissection (TAAD). Also called: Thoracic aortic aneurysms and dissections. Identifiers: Orphanet 91387, MedGen C4707243, MONDO:0019625.

Allele frequency attached by ClinVar (database versions not stated): gnomAD exomes below 0.00001.
gnomAD v4.1: 2 of 1,612,716 alleles (0.00012%); highest among the groups gnomAD compares: East Asian, 0.0022%; no homozygotes.

Submissions (3):

Ambry Genetics
Classification: Uncertain significance for Familial thoracic aortic aneurysm and aortic dissection. Last evaluated: 2025-08-28. Review status: criteria provided, single submitter. Criteria: Ambry Variant Classification Scheme 2023. Collection method: clinical testing. Allele origin: germline.
Comment: The p.Q1864R variant (also known as c.5591A>G), located in coding exon 30 of the NOTCH1 gene, results from an A to G substitution at nucleotide position 5591. The glutamine at codon 1864 is replaced by arginine, an amino acid with highly similar properties. This amino acid position is conserved. In addition, the in silico prediction for this alteration is inconclusive. Based on the available evidence, the clinical significance of this variant remains unclear.

Blueprint Genetics
Classification: Uncertain significance. Last evaluated: 2022-05-25. Review status: criteria provided, single submitter. Criteria: ACMG Guidelines, 2015. Collection method: clinical testing. Allele origin: germline.

Labcorp Genetics (formerly Invitae), Labcorp
Classification: Uncertain significance for Adams-Oliver syndrome 5. Last evaluated: 2022-02-20. Review status: criteria provided, single submitter. Criteria: Invitae Variant Classification Sherloc (09022015). Collection method: clinical testing. Allele origin: germline.
Comment: This variant has not been reported in the literature in individuals affected with NOTCH1-related conditions. This variant is not present in population databases (gnomAD no frequency). This sequence change replaces glutamine, which is neutral and polar, with arginine, which is basic and polar, at codon 1864 of the NOTCH1 protein (p.Gln1864Arg). Advanced modeling of protein sequence and biophysical properties (such as structural, functional, and spatial information, amino acid conservation, physicochemical variation, residue mobility, and thermodynamic stability) performed at Invitae indicates that this missense variant is not expected to disrupt NOTCH1 protein function. In summary, the available evidence is currently insufficient to determine the role of this variant in disease. Therefore, it has been classified as a Variant of Uncertain Significance.

NM_017617.5(NOTCH1):c.5591A>G (p.Gln1864Arg)

Gene: NOTCH1 (notch receptor 1; minus strand). Cytogenetic location: 9q34.3.
Variant type: single nucleotide variant.
Coding change: c.5591A>G on transcript NM_017617.5 (MANE Select); coding-DNA position 5591, A replaced by G.
Protein change: p.Gln1864Arg; replaces glutamine 1864 with arginine.
Molecular consequence: missense variant.
Genome position (GRCh38, 1-based): chr9:136,501,795, T>C on the plus strand (A>G on the coding strand, the complement: NOTCH1 is on the minus strand). VCF-style: chr9-136501795-T-C. GRCh37 (hg19) VCF-style: chr9-139396247-T-C.
Other names: c.5591A>G (NM_017617.3); short protein forms Q1864R.
Identifiers: ClinVar variation 2100138 (VCV002100138.6), dbSNP rs2540429578, ClinGen allele CA375639031.